The following is an entry in ClinVar:

NM_001999.4(FBN2):c.4328A>T (p.Asp1443Val)

Gene: FBN2 (fibrillin 2; minus strand). Cytogenetic location: 5q23.3.
Variant type: single nucleotide variant.
Coding change: c.4328A>T on transcript NM_001999.4 (MANE Select); coding-DNA position 4328, A replaced by T.
Protein change: p.Asp1443Val; replaces aspartic acid 1443 with valine.
Molecular consequence: missense variant.
Genome position (GRCh38, 1-based): chr5:128,330,590, T>A on the plus strand (A>T on the coding strand, the complement: FBN2 is on the minus strand). VCF-style: chr5-128330590-T-A. GRCh37 (hg19) VCF-style: chr5-127666282-T-A.
Other names: p.Asp1443Val; short protein forms D1443V.
Identifiers: ClinVar variation 411817 (VCV000411817.15), dbSNP rs751400994, ClinGen allele CA3395004.

ClinVar aggregate classification (germline): Conflicting classifications of pathogenicity. Review status: criteria provided, conflicting classifications (1 of 4 stars). 6 submissions from 6 submitters: Uncertain significance (3); Likely benign (2). 1 of the submissions does not count toward it. Last evaluated 2026-02-01.

Conditions:
Congenital contractural arachnodactyly (CCA). Also called: BEALS SYNDROME; Arthrogryposis, distal, type 9; Beals-Hecht syndrome. Identifiers: Orphanet 115, MedGen C0220668, MONDO:0007363, OMIM 121050.
Familial thoracic aortic aneurysm and aortic dissection (TAAD). Also called: Thoracic aortic aneurysms and dissections. Identifiers: Orphanet 91387, MedGen C4707243, MONDO:0019625.
FBN2-related disorder. Also called: FBN2-related condition.

Allele frequency attached by ClinVar (database versions not stated): gnomAD 0.00005; TOPMed 0.00005.
gnomAD v4.1: 169 of 1,613,996 alleles (0.01%); highest among the groups gnomAD compares: Non-Finnish European, 0.013%; no homozygotes.

Submissions (6):

Labcorp Genetics (formerly Invitae), Labcorp
Classification: Likely benign for Congenital contractural arachnodactyly. Last evaluated: 2026-02-01. Review status: criteria provided, single submitter. Criteria: Invitae Variant Classification Sherloc (09022015). Collection method: clinical testing. Allele origin: germline.

Ambry Genetics
Classification: Uncertain significance for Familial thoracic aortic aneurysm and aortic dissection. Last evaluated: 2025-04-15. Review status: criteria provided, single submitter. Criteria: Ambry Variant Classification Scheme 2023. Collection method: clinical testing. Allele origin: germline.
Comment: The p.D1443V variant (also known as c.4328A>T), located in coding exon 33 of the FBN2 gene, results from an A to T substitution at nucleotide position 4328. The aspartic acid at codon 1443 is replaced by valine, an amino acid with highly dissimilar properties. This amino acid position is highly conserved in available vertebrate species. In addition, this alteration is predicted to be deleterious by in silico analysis. Since supporting evidence is limited at this time, the clinical significance of this alteration remains unclear.

Mayo Clinic Laboratories, Mayo Clinic
Classification: Uncertain significance. Last evaluated: 2024-08-14. Review status: criteria provided, single submitter. Criteria: ACMG Guidelines, 2015. Collection method: clinical testing. Allele origin: germline. Observed: 1 variant allele.
Comment: BS1, PP3

Women's Health and Genetics/Laboratory Corporation of America, LabCorp
Classification: Likely benign. Last evaluated: 2023-07-29. Review status: criteria provided, single submitter. Criteria: LabCorp Variant Classification Summary - May 2015. Collection method: clinical testing. Allele origin: germline.

GeneDx
Classification: Uncertain significance. Last evaluated: 2023-07-13. Review status: criteria provided, single submitter. Criteria: GeneDx Variant Classification Process June 2021. Collection method: clinical testing. Allele origin: germline. Affected: yes.
Comment: Has not been previously published as pathogenic or benign to our knowledge; In silico analysis supports that this missense variant has a deleterious effect on protein structure/function; Although located in a calcium-binding EGF-like domain of the FBN2 gene, it does not substitute or introduce a cysteine residue (Callewaert et al., 2009; Frederic et al., 2009); This variant is associated with the following publications: (PMID: 19006240, 18767143)

PreventionGenetics, part of Exact Sciences
Classification: Likely benign for FBN2-related condition. Last evaluated: 2024-08-07. Review status: no assertion criteria provided. Collection method: clinical testing. Allele origin: germline. Not counted in ClinVar's aggregate classification.
Comment: This variant is classified as likely benign based on ACMG/AMP sequence variant interpretation guidelines (Richards et al. 2015 PMID: 25741868, with internal and published modifications).